The following is an entry in ClinVar:

ClinVar aggregate classification (germline): Uncertain significance (1 of 4 stars; one submission).

Submission:

Ambry Genetics
Classification: Uncertain significance. Last evaluated: 2026-08-23. Review status: criteria provided, single submitter. Criteria: Ambry Variant Classification Scheme 2023. Collection method: clinical testing. Allele origin: germline.
Comment: The p.W692C variant (also known as c.2076G>T), located in coding exon 8 of the RNF43 gene, results from a G to T substitution at nucleotide position 2076. The tryptophan at codon 692 is replaced by cysteine, an amino acid with highly dissimilar properties. This amino acid position is conserved. In addition, the in silico prediction for this alteration is inconclusive. Based on the available evidence, the clinical significance of this variant remains unclear.

NM_017763.6(RNF43):c.2076G>T (p.Trp692Cys)

Gene: RNF43 (ring finger protein 43; minus strand). Cytogenetic location: 17q22.
Variant type: single nucleotide variant.
Coding change: c.2076G>T on transcript NM_017763.6 (MANE Select); coding-DNA position 2076, G replaced by T.
Protein change: p.Trp692Cys; replaces tryptophan 692 with cysteine.
Molecular consequence: missense variant.
Genome position (GRCh38, 1-based): chr17:58,357,700, C>A on the plus strand (G>T on the coding strand, the complement: RNF43 is on the minus strand). VCF-style: chr17-58357700-C-A. GRCh37 (hg19) VCF-style: chr17-56435061-C-A.
Other names: c.2076G>T, p.Trp692Cys (NM_001305544.3, NM_001438820.1, NM_001438821.1 and 1 more transcripts); c.1695G>T, p.Trp565Cys (NM_001305545.2, NM_001437987.1); short protein forms W692C, W565C.
Identifiers: ClinVar variation 5028353 (VCV005028353.1).
Genomic context (GRCh38, chr17:58,357,700, plus strand): 5'-TGGTAGCAGCCTCTTGTCCAGGCCTGGAGGTCCACAGATCAAGGGGTGTGCCTCTGGGGA[C>A]CAAGGATATGCCACACTGGGGGTGTAATGGGGAAAAATCTGGCAAGCTGGGTGCACAGTT-3'
Protein context (NP_060233.3, residues 682-702): PHYTPSVAYP[Trp692Cys]SPEAHPLICG